The following is an entry in ClinVar:

ClinVar aggregate classification (germline): Uncertain significance (1 of 4 stars; one submission).

Conditions:
Brachyolmia-amelogenesis imperfecta syndrome. Also called: PLATYSPONDYLY WITH AMELOGENESIS IMPERFECTA; Tooth agenesis, selective, 6; Dental anomalies and short stature. Identifiers: Orphanet 2899, MedGen C1832594, MONDO:0011018, OMIM 601216. Disease mechanism: loss of function.

Submission:

Labcorp Genetics (formerly Invitae), Labcorp
Classification: Uncertain significance for Brachyolmia-amelogenesis imperfecta syndrome. Last evaluated: 2021-07-13. Review status: criteria provided, single submitter. Criteria: Invitae Variant Classification Sherloc (09022015). Collection method: clinical testing. Allele origin: germline.
Comment: In summary, the available evidence is currently insufficient to determine the role of this variant in disease. Therefore, it has been classified as a Variant of Uncertain Significance. Experimental studies and prediction algorithms are not available or were not evaluated, and the functional significance of this variant is currently unknown. This variant has not been reported in the literature in individuals affected with LTBP3-related conditions. This variant is not present in population databases (ExAC no frequency). This variant, c.1201_1203del, results in the deletion of 1 amino acid(s) of the LTBP3 protein (p.Glu401del), but otherwise preserves the integrity of the reading frame.

NM_001130144.3(LTBP3):c.1198GAG[1] (p.Glu401del)

Gene: LTBP3 (latent transforming growth factor beta binding protein 3; minus strand). Cytogenetic location: 11q13.1.
Variant type: Microsatellite.
Coding change: c.1198GAG[1] on transcript NM_001130144.3 (MANE Select); one copy of the 3-base unit GAG starting at c.1198; the reference has two copies in a row; one copy, 3 bases deleted.
Protein change: p.Glu401del; deletes glutamic acid 401.
Molecular consequence: inframe deletion.
Genome position (GRCh38, 1-based): chr11:65,552,390-65,552,392, CTC deleted on the plus strand (GAG on the coding strand, the reverse complement: LTBP3 is on the minus strand); deleting any 3 consecutive bases within chr11:65,552,390-65,552,396 gives the same sequence; the position shown is the placement nearest the transcript's 3' end. VCF-style (leftmost placement, unchanged base first): chr11-65552389-TCTC-T. GRCh37 (hg19) VCF-style: chr11-65319860-TCTC-T.
Other names: c.847GAG[1], p.Glu284del (NM_001164266.1); c.1198GAG[1], p.Glu401del (NM_021070.4); short protein forms E284del, E401del.
Identifiers: ClinVar variation 1429557 (VCV001429557.8), dbSNP rs1856643872, ClinGen allele CA938912600.